The following is an entry in ClinVar:

ClinVar aggregate classification (germline): Uncertain significance. Review status: criteria provided, multiple submitters, no conflicts (2 of 4 stars). 2 submissions from 2 submitters: Uncertain significance (2). Last evaluated 2024-09-23.

Conditions:
Cardiovascular phenotype. Identifiers: MedGen CN230736.
Hypertrophic cardiomyopathy 14. Identifiers: MedGen C2750467, MONDO:0013197, OMIM 613251.

Allele frequency attached by ClinVar (database versions not stated): ExAC 0.00001; gnomAD 0.00001; gnomAD exomes 0.00001; TOPMed 0.00002.
gnomAD v4.1: 18 of 1,614,136 alleles (0.0011%); highest among the groups gnomAD compares: Middle Eastern, 0.082%; 1 homozygote.

Submissions (2):

Labcorp Genetics (formerly Invitae), Labcorp
Classification: Uncertain significance for Hypertrophic cardiomyopathy 14. Last evaluated: 2024-09-23. Review status: criteria provided, single submitter. Criteria: Invitae Variant Classification Sherloc (09022015). Collection method: clinical testing. Allele origin: germline.
Comment: This sequence change replaces aspartic acid, which is acidic and polar, with histidine, which is basic and polar, at codon 32 of the MYH6 protein (p.Asp32His). This variant is present in population databases (rs750776536, gnomAD 0.002%). This variant has not been reported in the literature in individuals affected with MYH6-related conditions. ClinVar contains an entry for this variant (Variation ID: 1767180). Invitae Evidence Modeling of protein sequence and biophysical properties (such as structural, functional, and spatial information, amino acid conservation, physicochemical variation, residue mobility, and thermodynamic stability) has been performed for this missense variant. However, the output from this modeling did not meet the statistical confidence thresholds required to predict the impact of this variant on MYH6 protein function. In summary, the available evidence is currently insufficient to determine the role of this variant in disease. Therefore, it has been classified as a Variant of Uncertain Significance.

Ambry Genetics
Classification: Uncertain significance for Cardiovascular phenotype. Last evaluated: 2023-06-03. Review status: criteria provided, single submitter. Criteria: Ambry Variant Classification Scheme 2023. Collection method: clinical testing. Allele origin: germline.
Comment: The p.D32H variant (also known as c.94G>C), located in coding exon 1 of the MYH6 gene, results from a G to C substitution at nucleotide position 94. The aspartic acid at codon 32 is replaced by histidine, an amino acid with similar properties. This amino acid position is highly conserved in available vertebrate species. In addition, this alteration is predicted to be deleterious by in silico analysis. Since supporting evidence is limited at this time, the clinical significance of this alteration remains unclear.

NM_002471.4(MYH6):c.94G>C (p.Asp32His)

Genes: MYH6 (myosin heavy chain 6; minus strand), LOC114827851 (VISTA enhancer hs2155; plus strand). Cytogenetic location: 14q11.2.
Variant type: single nucleotide variant.
Coding change: c.94G>C on transcript NM_002471.4 (MANE Select); coding-DNA position 94, G replaced by C.
Protein change: p.Asp32His; replaces aspartic acid 32 with histidine.
Molecular consequence: missense variant.
Genome position (GRCh38, 1-based): chr14:23,407,130, C>G on the plus strand (G>C on the coding strand, the complement: MYH6 is on the minus strand). VCF-style: chr14-23407130-C-G. GRCh37 (hg19) VCF-style: chr14-23876339-C-G.
Other names: short protein forms D32H.
Identifiers: ClinVar variation 1767180 (VCV001767180.5), dbSNP rs750776536, ClinGen allele CA7116266.